The following is an entry in ClinVar:

ClinVar aggregate classification (germline): Uncertain significance (1 of 4 stars; one submission).

Conditions:
Febrile seizures, familial, 11 (FEB11). Also called: CONVULSIONS, FAMILIAL FEBRILE, 11. Identifiers: MedGen C3280734, MONDO:0024566, OMIM 614418.

Allele frequency attached by ClinVar (database versions not stated): gnomAD 0.00001; TOPMed 0.00001.
gnomAD v4.1: 2 of 1,612,218 alleles (0.00012%); highest among the groups gnomAD compares: African/African-American, 0.0013%; no homozygotes.

Submission:

Labcorp Genetics (formerly Invitae), Labcorp
Classification: Uncertain significance for Febrile seizures, familial, 11. Last evaluated: 2019-03-20. Review status: criteria provided, single submitter. Criteria: Invitae Variant Classification Sherloc (09022015). Collection method: clinical testing. Allele origin: germline.
Comment: This variant is not present in population databases (ExAC no frequency). Algorithms developed to predict the effect of missense changes on protein structure and function output the following: SIFT: "Tolerated"; PolyPhen-2: "Benign"; Align-GVGD: "Class C0". The arginine amino acid residue is found in multiple mammalian species, suggesting that this missense change does not adversely affect protein function. These predictions have not been confirmed by published functional studies and their clinical significance is uncertain. This variant has not been reported in the literature in individuals with CPA6-related conditions. This sequence change replaces serine with arginine at codon 120 of the CPA6 protein (p.Ser120Arg). The serine residue is weakly conserved and there is a moderate physicochemical difference between serine and arginine. In summary, the available evidence is currently insufficient to determine the role of this variant in disease. Therefore, it has been classified as a Variant of Uncertain Significance.

NM_020361.5(CPA6):c.360C>A (p.Ser120Arg)

Gene: CPA6 (carboxypeptidase A6; minus strand). Cytogenetic location: 8q13.2.
Variant type: single nucleotide variant.
Coding change: c.360C>A on transcript NM_020361.5 (MANE Select); coding-DNA position 360, C replaced by A.
Protein change: p.Ser120Arg; replaces serine 120 with arginine.
Molecular consequence: missense variant.
Genome position (GRCh38, 1-based): chr8:67,511,613, G>T on the plus strand (C>A on the coding strand, the complement: CPA6 is on the minus strand). VCF-style: chr8-67511613-G-T. GRCh37 (hg19) VCF-style: chr8-68423848-G-T.
Other names: short protein forms S120R.
Identifiers: ClinVar variation 841590 (VCV000841590.9), dbSNP rs1277121732, ClinGen allele CA371261871.